The following is an entry in ClinVar:

NM_006514.4(SCN10A):c.4684T>A (p.Ser1562Thr)

Gene: SCN10A (sodium voltage-gated channel alpha subunit 10; minus strand). Cytogenetic location: 3p22.2.
Variant type: single nucleotide variant.
Coding change: c.4684T>A on transcript NM_006514.4 (MANE Select); coding-DNA position 4684, T replaced by A.
Protein change: p.Ser1562Thr; replaces serine 1562 with threonine.
Molecular consequence: missense variant.
Genome position (GRCh38, 1-based): chr3:38,698,536, A>T on the plus strand (T>A on the coding strand, the complement: SCN10A is on the minus strand). VCF-style: chr3-38698536-A-T. GRCh37 (hg19) VCF-style: chr3-38740027-A-T.
Other names: c.4681T>A, p.Ser1561Thr (NM_001293306.2); c.4390T>A, p.Ser1464Thr (NM_001293307.2); short protein forms S1561T, S1464T, S1562T.
Identifiers: ClinVar variation 2005677 (VCV002005677.4), dbSNP rs1178548561, ClinGen allele CA352155946.

ClinVar aggregate classification (germline): Uncertain significance (1 of 4 stars; one submission).

Conditions:
Brugada syndrome. Also called: Sudden Unexplained Death Syndrome; Sudden Unexplained Nocturnal Death Syndrome (SUNDS); Sudden unexpected nocturnal death syndrome; Sudden unexplained nocturnal death syndrome. Identifiers: Orphanet 130, MedGen C1142166, MONDO:0015263.

Allele frequency attached by ClinVar (database versions not stated): gnomAD exomes below 0.00001.
gnomAD v4.1: 1 of 1,611,014 alleles (0.000062%); highest among the groups gnomAD compares: Admixed American, 0.0017%; no homozygotes.

Submission:

Labcorp Genetics (formerly Invitae), Labcorp
Classification: Uncertain significance for Brugada syndrome. Last evaluated: 2022-10-19. Review status: criteria provided, single submitter. Criteria: Invitae Variant Classification Sherloc (09022015). Collection method: clinical testing. Allele origin: germline.
Comment: In summary, the available evidence is currently insufficient to determine the role of this variant in disease. Therefore, it has been classified as a Variant of Uncertain Significance. Advanced modeling of protein sequence and biophysical properties (such as structural, functional, and spatial information, amino acid conservation, physicochemical variation, residue mobility, and thermodynamic stability) performed at Invitae indicates that this missense variant is not expected to disrupt SCN10A protein function. This variant has not been reported in the literature in individuals affected with SCN10A-related conditions. This variant is present in population databases (no rsID available, gnomAD 0.003%). This sequence change replaces serine, which is neutral and polar, with threonine, which is neutral and polar, at codon 1562 of the SCN10A protein (p.Ser1562Thr).